The following is an entry in ClinVar:

NM_144643.4(SCLT1):c.424C>G (p.Gln142Glu)

Gene: SCLT1 (sodium channel and clathrin linker 1; minus strand). Cytogenetic location: 4q28.2.
Variant type: single nucleotide variant.
Coding change: c.424C>G on transcript NM_144643.4 (MANE Select); coding-DNA position 424, C replaced by G.
Protein change: p.Gln142Glu; replaces glutamine 142 with glutamic acid.
Molecular consequence: missense variant.
Genome position (GRCh38, 1-based): chr4:129,003,743, G>C on the plus strand (C>G on the coding strand, the complement: SCLT1 is on the minus strand). VCF-style: chr4-129003743-G-C. GRCh37 (hg19) VCF-style: chr4-129924898-G-C.
Other names: c.424C>G, p.Gln142Glu (NM_001410807.1); c.424C>G (NM_144643.3); short protein forms Q142E.
Identifiers: ClinVar variation 4838071 (VCV004838071.2).

ClinVar aggregate classification (germline): Conflicting classifications of pathogenicity. Review status: criteria provided, conflicting classifications (1 of 4 stars). 2 submissions from 2 submitters: Uncertain significance (1); Likely benign (1). Last evaluated 2025-12-22.

Conditions:
SCLT1-related disorder. Also called: SCLT1-related condition.

gnomAD v4.1: 1 of 1,598,314 alleles (0.000063%); highest among the groups gnomAD compares: African/African-American, 0.0013%; no homozygotes.

Submissions (2):

Ambry Genetics
Classification: Likely benign. Last evaluated: 2025-12-22. Review status: criteria provided, single submitter. Criteria: Ambry Variant Classification Scheme 2023. Collection method: clinical testing. Allele origin: germline.

PreventionGenetics, part of Exact Sciences
Classification: Uncertain significance for SCLT1-related condition. Last evaluated: 2024-11-25. Review status: criteria provided, single submitter. Criteria: ACMG Guidelines, 2015. Collection method: clinical testing. Allele origin: germline.
Comment: The SCLT1 c.424C>G variant is predicted to result in the amino acid substitution p.Gln142Glu. To our knowledge, this variant has not been reported in the literature or in a large population database (gnomAD), indicating this variant is rare. At this time, the clinical significance of this variant is uncertain due to the absence of conclusive functional and genetic evidence.